The following is an entry in ClinVar:

ClinVar aggregate classification (germline): Uncertain significance (1 of 4 stars; one submission).

Conditions:
Cardiovascular phenotype. Identifiers: MedGen CN230736.

Submission:

Ambry Genetics
Classification: Uncertain significance for Cardiovascular phenotype. Last evaluated: 2023-03-20. Review status: criteria provided, single submitter. Criteria: Ambry Variant Classification Scheme 2023. Collection method: clinical testing. Allele origin: germline.
Comment: The p.K731N variant (also known as c.2193G>T), located in coding exon 23 of the MYBPC3 gene, results from a G to T substitution at nucleotide position 2193. The lysine at codon 731 is replaced by asparagine, an amino acid with similar properties. This amino acid position is conserved. In addition, this alteration is predicted to be tolerated by in silico analysis. Since supporting evidence is limited at this time, the clinical significance of this alteration remains unclear.

NM_000256.3(MYBPC3):c.2193G>T (p.Lys731Asn)

Gene: MYBPC3 (myosin binding protein C3; minus strand). Cytogenetic location: 11p11.2.
Variant type: single nucleotide variant.
Coding change: c.2193G>T on transcript NM_000256.3 (MANE Select); coding-DNA position 2193, G replaced by T.
Protein change: p.Lys731Asn; replaces lysine 731 with asparagine.
Molecular consequence: missense variant.
Genome position (GRCh38, 1-based): chr11:47,338,635, C>A on the plus strand (G>T on the coding strand, the complement: MYBPC3 is on the minus strand). VCF-style: chr11-47338635-C-A. GRCh37 (hg19) VCF-style: chr11-47360186-C-A.
Other names: short protein forms K731N.
Identifiers: ClinVar variation 2563080 (VCV002563080.2), dbSNP rs1315970009, ClinGen allele CA380320499.